The following is an entry in ClinVar:

ClinVar aggregate classification (germline): Uncertain significance (1 of 4 stars; one submission).

Conditions:
Ehlers-Danlos syndrome, classic type (cEDS). Identifiers: Orphanet 287, MedGen C4225429, MONDO:0007522.

Submission:

Labcorp Genetics (formerly Invitae), Labcorp
Classification: Uncertain significance for Ehlers-Danlos syndrome, classic type, 1. Last evaluated: 2017-02-12. Review status: criteria provided, single submitter. Criteria: Invitae Variant Classification Sherloc (09022015). Collection method: clinical testing. Allele origin: germline.
Comment: This variant is a gross duplication of the genomic region encompassing exons 8-54 of the COL5A2 gene. The 5' boundary is likely confined to intron 7. The 3' end of this event is unknown as it extends beyond the assayed region for this gene and therefore may encompass additional genes . As the precise location of this duplication is unknown, it may be in tandem or it may be located elsewhere in the genome. Duplications of exons 8-54 Â¬â€ sequence have not been reported in the literature in individuals with a COL5A2-related disease. In summary, the exact genomic location of this variant is unknown and the impact of this duplication on COL5A2 protein function has not been established. Therefore, it has been classified as a Variant of Unknown Significance.

Single allele

Gene: COL5A2 (collagen type V alpha 2 chain; minus strand). Cytogenetic location: 2q32.2.
Variant type: Duplication.
Identifiers: ClinVar variation 459646 (VCV000459646.4).